The following is an entry in ClinVar:

ClinVar aggregate classification (germline): Uncertain significance (1 of 4 stars; one submission).

Conditions:
COG5-congenital disorder of glycosylation. Also called: CDG IIi; CONGENITAL DISORDER OF GLYCOSYLATION, TYPE IIi; COG5-CDG. Identifiers: Orphanet 263487, MedGen C3150876, MONDO:0013325, OMIM 613612.

Submission:

Labcorp Genetics (formerly Invitae), Labcorp
Classification: Uncertain significance for COG5-congenital disorder of glycosylation. Last evaluated: 2022-08-31. Review status: criteria provided, single submitter. Criteria: Invitae Variant Classification Sherloc (09022015). Collection method: clinical testing. Allele origin: germline.
Comment: This sequence change replaces tyrosine, which is neutral and polar, with phenylalanine, which is neutral and non-polar, at codon 468 of the COG5 protein (p.Tyr468Phe). This variant is not present in population databases (gnomAD no frequency). This variant has not been reported in the literature in individuals affected with COG5-related conditions. ClinVar contains an entry for this variant (Variation ID: 1470845). Algorithms developed to predict the effect of missense changes on protein structure and function (SIFT, PolyPhen-2, Align-GVGD) all suggest that this variant is likely to be tolerated. In summary, the available evidence is currently insufficient to determine the role of this variant in disease. Therefore, it has been classified as a Variant of Uncertain Significance.

NM_006348.5(COG5):c.1310A>T (p.Tyr437Phe)

Gene: COG5 (component of oligomeric golgi complex 5; minus strand). Cytogenetic location: 7q22.3.
Variant type: single nucleotide variant.
Coding change: c.1310A>T on transcript NM_006348.5 (MANE Select); coding-DNA position 1310, A replaced by T.
Protein change: p.Tyr437Phe; replaces tyrosine 437 with phenylalanine.
Molecular consequence: missense variant.
Genome position (GRCh38, 1-based): chr7:107,298,145, T>A on the plus strand (A>T on the coding strand, the complement: COG5 is on the minus strand). VCF-style: chr7-107298145-T-A. GRCh37 (hg19) VCF-style: chr7-106938590-T-A.
Other names: c.1310A>T, p.Tyr437Phe (NM_001161520.2, NM_001379511.1, NM_001379512.1 and 3 more transcripts); c.740A>T, p.Tyr247Phe (NM_001379515.1); c.596A>T, p.Tyr199Phe (NM_001379516.1); short protein forms Y199F, Y437F, Y247F.
Identifiers: ClinVar variation 1470845 (VCV001470845.3), dbSNP rs2116915449, ClinGen allele CA368938384.